The following is an entry in ClinVar:

ClinVar aggregate classification (germline): Uncertain significance. Review status: criteria provided, multiple submitters, no conflicts (2 of 4 stars). 4 submissions from 4 submitters: Uncertain significance (4). Last evaluated 2025-12-21.

Conditions:
Hyperkalemic periodic paralysis. Also called: Gamstorp disease; Familial hyperkalemic periodic paralysis. Identifiers: Orphanet 682, MedGen C0238357, MONDO:0008224, OMIM 170500, HP:0007215.

Allele frequency attached by ClinVar (database versions not stated): gnomAD exomes below 0.00001; TOPMed 0.00001; gnomAD 0.00002.
gnomAD v4.1: 6 of 1,613,846 alleles (0.00037%); highest among the groups gnomAD compares: African/African-American, 0.0013%; no homozygotes.

Submissions (4):

Labcorp Genetics (formerly Invitae), Labcorp
Classification: Uncertain significance for Hyperkalemic periodic paralysis. Last evaluated: 2025-12-21. Review status: criteria provided, single submitter. Criteria: Invitae Variant Classification Sherloc (09022015). Collection method: clinical testing. Allele origin: germline.
Comment: This sequence change replaces alanine, which is neutral and non-polar, with valine, which is neutral and non-polar, at codon 699 of the SCN4A protein (p.Ala699Val). This variant is present in population databases (no rsID available, gnomAD 0.0009%). This variant has not been reported in the literature in individuals affected with SCN4A-related conditions. ClinVar contains an entry for this variant (Variation ID: 477403). Invitae Evidence Modeling of protein sequence and biophysical properties (such as structural, functional, and spatial information, amino acid conservation, physicochemical variation, residue mobility, and thermodynamic stability) indicates that this missense variant is expected to disrupt SCN4A protein function with a positive predictive value of 80%. In summary, the available evidence is currently insufficient to determine the role of this variant in disease. Therefore, it has been classified as a Variant of Uncertain Significance.

GeneDx
Classification: Uncertain significance. Last evaluated: 2025-03-13. Review status: criteria provided, single submitter. Criteria: GeneDx Variant Classification Process June 2021. Collection method: clinical testing. Allele origin: germline. Affected: yes.
Comment: Not observed at significant frequency in large population cohorts (gnomAD); In silico analysis supports that this missense variant has a deleterious effect on protein structure/function; Has not been previously published as pathogenic or benign to our knowledge

Genomic Medicine Center of Excellence, King Faisal Specialist Hospital and Research Centre
Classification: Uncertain significance for Hyperkalemic periodic paralysis. Last evaluated: 2024-03-25. Review status: criteria provided, single submitter. Criteria: ACMG Guidelines, 2015. Collection method: clinical testing. Allele origin: germline.

Revvity Omics, Revvity
Classification: Uncertain significance. Last evaluated: 2020-10-14. Review status: criteria provided, single submitter. Criteria: ACMG Guidelines, 2015. Collection method: clinical testing. Allele origin: germline.

NM_000334.4(SCN4A):c.2096C>T (p.Ala699Val)

Genes: GH-LCR (growth hormone locus control region; plus strand), SCN4A (sodium voltage-gated channel alpha subunit 4; minus strand). Cytogenetic location: 17q23.3.
Variant type: single nucleotide variant.
Coding change: c.2096C>T on transcript NM_000334.4 (MANE Select); coding-DNA position 2096, C replaced by T.
Protein change: p.Ala699Val; replaces alanine 699 with valine.
Molecular consequence: missense variant.
Genome position (GRCh38, 1-based): chr17:63,957,442, G>A on the plus strand (C>T on the coding strand, the complement: SCN4A is on the minus strand). VCF-style: chr17-63957442-G-A. GRCh37 (hg19) VCF-style: chr17-62034802-G-A.
Other names: short protein forms A699V.
Identifiers: ClinVar variation 477403 (VCV000477403.14), dbSNP rs1395381249, ClinGen allele CA400631155.